The following is an entry in ClinVar:

NM_173860.3(HOXC12):c.528C>G (p.Asn176Lys)

Gene: HOXC12 (homeobox C12; plus strand). Cytogenetic location: 12q13.13.
Variant type: single nucleotide variant.
Coding change: c.528C>G on transcript NM_173860.3 (MANE Select); coding-DNA position 528, C replaced by G.
Protein change: p.Asn176Lys; replaces asparagine 176 with lysine.
Molecular consequence: missense variant.
Genome position (GRCh38, 1-based): chr12:53,955,457, C>G. VCF-style: chr12-53955457-C-G. GRCh37 (hg19) VCF-style: chr12-54349241-C-G.
Other names: short protein forms N176K.
Identifiers: ClinVar variation 2643050 (VCV002643050.24), dbSNP rs189468720, ClinGen allele CA6604055.

ClinVar aggregate classification (germline): Likely benign (1 of 4 stars; one submission).

Allele frequency attached by ClinVar (database versions not stated): TOPMed 0.00290; 1000 Genomes Project 30x 0.00297; ExAC 0.00307; gnomAD 0.00357; 1000 Genomes Project 0.00359.
gnomAD v4.1: 6,582 of 1,506,248 alleles (0.44%); highest among the groups gnomAD compares: Non-Finnish European, 0.47%; 26 homozygotes.

Submission:

CeGaT Center for Human Genetics Tuebingen
Classification: Likely benign. Last evaluated: 2022-09-01. Review status: criteria provided, single submitter. Criteria: CeGaT Center For Human Genetics Tuebingen Variant Classification Criteria Version 2. Collection method: clinical testing. Allele origin: germline. Affected: yes. Observed: 1 variant allele.
Comment: HOXC12: PP3, BS2